The following is an entry in ClinVar:

NM_002294.3(LAMP2):c.1191T>C (p.Phe397=)

Gene: LAMP2 (lysosome associated membrane protein 2; minus strand). Cytogenetic location: Xq24.
Variant type: single nucleotide variant.
Coding change: c.1191T>C on transcript NM_002294.3 (MANE Select); coding-DNA position 1191, T replaced by C.
Protein change: p.Phe397=; no amino-acid change (phenylalanine 397 retained).
Molecular consequence: synonymous variant. On other transcripts: intron variant (1).
Genome position (GRCh38, 1-based): chrX:120,431,365, A>G on the plus strand (T>C on the coding strand, the complement: LAMP2 is on the minus strand). VCF-style: chrX-120431365-A-G. GRCh37 (hg19) VCF-style: chrX-119565220-A-G.
Other names: c.1094-2739T>C (NM_001122606.1).
Identifiers: ClinVar variation 381155 (VCV000381155.15), dbSNP rs752231323, ClinGen allele CA10505167.
Genomic context (GRCh38, chrX:120,431,365, plus strand): 5'-TCAATCAGGTTGCAGATTCTAAAATTGCTCATATCCAGCATGATGGTGCTTGAGACCAAT[A>G]AAATAAGCCAGCAACACTAGAATAAGTACTCCTGCCAAGGCAGCTCCCACCGCTATGGGC-3'
Protein context (NP_002285.1, residues 387-407): GVLILVLLAY[Phe397=]IGLKHHHAGY

ClinVar aggregate classification (germline): Benign/Likely benign. Review status: criteria provided, multiple submitters, no conflicts (2 of 4 stars). 5 submissions from 5 submitters: Benign (2); Likely benign (2). 1 of the submissions does not count toward it. Last evaluated 2026-05-25.

Conditions:
Danon disease. Also called: PSEUDOGLYCOGENOSIS II; GSD IIb; LYSOSOMAL GLYCOGEN STORAGE DISEASE WITHOUT ACID MALTASE DEFICIENCY; Glycogen Storage Disease Type IIb; ANTOPOL DISEASE. Identifiers: Orphanet 34587, MedGen C0878677, MONDO:0010281, OMIM 300257.
LAMP2-related disorder. Also called: LAMP2-related condition.
Cardiovascular phenotype. Identifiers: MedGen CN230736.

Allele frequency attached by ClinVar (database versions not stated): gnomAD exomes 0.00007 and 0.00008; TOPMed 0.00002; ExAC 0.00007; gnomAD 0.00002 and 0.00001.
gnomAD v4.1: 77 of 1,208,941 alleles (0.0064%); highest among the groups gnomAD compares: South Asian, 0.032%; no homozygotes.

Submissions (5):

Women's Health and Genetics/Laboratory Corporation of America, LabCorp
Classification: Benign. Last evaluated: 2026-05-25. Review status: criteria provided, single submitter. Criteria: LabCorp Variant Classification Summary - May 2015. Collection method: clinical testing. Allele origin: germline.

Labcorp Genetics (formerly Invitae), Labcorp
Classification: Benign for Danon disease. Last evaluated: 2026-01-11. Review status: criteria provided, single submitter. Criteria: Invitae Variant Classification Sherloc (09022015). Collection method: clinical testing. Allele origin: germline.

Ambry Genetics
Classification: Likely benign for Cardiovascular phenotype. Last evaluated: 2018-07-11. Review status: criteria provided, single submitter. Criteria: Ambry Variant Classification Scheme 2023. Collection method: clinical testing. Allele origin: germline.

GeneDx
Classification: Likely benign. Last evaluated: 2017-07-10. Review status: criteria provided, single submitter. Criteria: GeneDx Variant Classification (06012015). Collection method: clinical testing. Allele origin: germline. Affected: yes.
Comment: This variant is considered likely benign or benign based on one or more of the following criteria: it is a conservative change, it occurs at a poorly conserved position in the protein, it is predicted to be benign by multiple in silico algorithms, and/or has population frequency not consistent with disease.

PreventionGenetics, part of Exact Sciences
Classification: Likely benign for LAMP2-related condition. Last evaluated: 2020-09-08. Review status: no assertion criteria provided. Collection method: clinical testing. Allele origin: germline. Not counted in ClinVar's aggregate classification.
Comment: This variant is classified as likely benign based on ACMG/AMP sequence variant interpretation guidelines (Richards et al. 2015 PMID: 25741868, with internal and published modifications).